The following is an entry in ClinVar:

ClinVar aggregate classification (germline): Pathogenic. Review status: reviewed by expert panel (3 of 4 stars). 6 submissions from 6 submitters: Pathogenic (1). 5 of the submissions do not count toward it. Last evaluated 2024-08-27.

Conditions:
Alpha-actinopathy. Also called: Actinopathy. Identifiers: MedGen CN295279, MONDO:0100084.
Actin accumulation myopathy (CMYO2A). Also called: Myopathy, actin, congenital, with cores; Nemaline myopathy 3, with intranuclear rods; CONGENITAL MYOPATHY 2A, TYPICAL, AUTOSOMAL DOMINANT; Nemaline myopathy type 3; Myopathy, actin, congenital, with excess of thin myofilaments. Identifiers: Orphanet 98904, MedGen C3711389, MONDO:0008070, OMIM 161800.

Submissions (6):

ClinGen Congenital Myopathies Variant Curation Expert Panel, ClinGen
Classification: Pathogenic for Alpha-actinopathy. Last evaluated: 2024-08-27. Review status: reviewed by expert panel. Criteria: ClinGen CongenMyopathy ACMG Specifications ACTA1_AD_ V2.0.0. Collection method: curation. Allele origin: germline. Inheritance: Autosomal dominant inheritance.
Comment: The c.493G>A variant in ACTA1 is a missense variant predicted to cause substitution of valine by methionine at amino acid 165 (legacy nomenclature: p.Val163Met). This variant is absent from gnomAD v4.1.0 (PM2_Supporting). The computational predictor REVEL gives a score of 0.961, which is above the threshold of 0.7, evidence that correlates with impact to ACTA1 function (PP3). ACTA1, in which the variant was identified, is defined by the ClinGen Congenital Myopathies VCEP as a gene that has a low rate of benign missense variation and where pathogenic missense variants are a common mechanism of disease (PP2). In vitro studies in C2C12 myoblasts showed that V165M formed intranuclear actin aggregates with low levels of cytoplasmic aggregates, indicating that this variant impacts protein function. These oblong intranuclear aggregates closely resembled intranuclear bodies observed in muscle samples from patients with intranuclear myopathy. Additionally, Drosophila heterozygous for V165M show that V165M can severely affect Z-disc assembly and the stability of the sarcomere. Heterozygous V165M Drosophila presented with zebra bodies, Z-rings, and intranuclear rods (PS3; PMID:15198992, 17705262, 23294764). This variant has been reported in 1 proband with intranuclear rod myopathy confirmed by biopsy (PP4_Moderate; PMID:12921789). The variant has been reported to segregate with nemaline myopathy in 2 affected family members from 1 family (PP1_Moderate; PMID: 12921789). In summary, this variant meets the criteria to be classified as pathogenic for autosomal dominant alpha-actinopathy based on the ACMG/AMP criteria applied, as specified by the ClinGen Congenital Myopathies VCEP: PS3, PP4_Moderate, PP1_Moderate, PM2_Supporting, PP3, PP2 (Congenital Myopathies VCEP specifications version 2; 08/27/2024).

Victorian Clinical Genetics Services, Murdoch Childrens Research Institute
Classification: Pathogenic for Alpha-actinopathy. Last evaluated: 2025-05-08. Review status: criteria provided, single submitter. Criteria: ACMG Guidelines, 2015. Collection method: clinical testing. Allele origin: germline. Affected: yes. Not counted in ClinVar's aggregate classification.
Comment: This variant is classified as Pathogenic. Evidence in support of pathogenic classification: Variant is absent from gnomAD (v2, v3 and v4); This variant has strong previous evidence of pathogenicity in unrelated individuals. This variant has been classified as pathogenic for autosomal dominant alpha-actinopathy (MONDO:0100084) by the ClinGen Congenital Myopathies Variant Curation Expert Panel (ClinVar); Missense variant predicted to be damaging by in silico tool(s) or highly conserved with a major amino acid change; Additional information: Variant is predicted to result in a missense amino acid change from valine to methionine; This variant is heterozygous; This gene is associated with both recessive and dominant disease. There is currently no genotype-phenotype correlation (OMIM); however, the majority of variants predicted to cause a premature termination codon, have been reported for autosomal recessive disease (PMID: 19562689); Loss of function is a known mechanism of disease and dominant negative is a likely mechanism of disease in this gene. Missense variants have been shown to result in decreased actin motility and create protein aggregates within the cytoplasm (PMID: 15198992, OMIM).

Labcorp Genetics (formerly Invitae), Labcorp
Classification: Pathogenic for Actin accumulation myopathy. Last evaluated: 2024-11-16. Review status: criteria provided, single submitter. Criteria: Invitae Variant Classification Sherloc (09022015). Collection method: clinical testing. Allele origin: germline. Not counted in ClinVar's aggregate classification.
Comment: This sequence change replaces valine, which is neutral and non-polar, with methionine, which is neutral and non-polar, at codon 165 of the ACTA1 protein (p.Val165Met). This variant is not present in population databases (gnomAD no frequency). This missense change has been observed in individual(s) with autosomal dominant Nemaline myopathy (PMID: 15198992, 16427282). It has also been observed to segregate with disease in related individuals. This variant is also known as V163M. ClinVar contains an entry for this variant (Variation ID: 18292). Invitae Evidence Modeling of protein sequence and biophysical properties (such as structural, functional, and spatial information, amino acid conservation, physicochemical variation, residue mobility, and thermodynamic stability) indicates that this missense variant is not expected to disrupt ACTA1 protein function with a negative predictive value of 80%. Experimental studies have shown that this missense change affects ACTA1 function (PMID: 15198992, 17705262). This variant disrupts the p.Val165 amino acid residue in ACTA1. Other variant(s) that disrupt this residue have been observed in individuals with ACTA1-related conditions (PMID: 10508519), which suggests that this may be a clinically significant amino acid residue. For these reasons, this variant has been classified as Pathogenic.

CeGaT Center for Human Genetics Tuebingen
Classification: Pathogenic. Last evaluated: 2024-05-01. Review status: criteria provided, single submitter. Criteria: CeGaT Center For Human Genetics Tuebingen Variant Classification Criteria Version 2. Collection method: clinical testing. Allele origin: germline. Affected: yes. Observed: 2 variant alleles. Not counted in ClinVar's aggregate classification.
Comment: ACTA1: PM2, PM5, PS4:Moderate, PP1, PP2, PP3, PS3:Supporting

Revvity Omics, Revvity
Classification: Pathogenic. Last evaluated: 2019-04-05. Review status: criteria provided, single submitter. Criteria: ACMG Guidelines, 2015. Collection method: clinical testing. Allele origin: germline. Not counted in ClinVar's aggregate classification.

OMIM
Classification: Pathogenic for CONGENITAL MYOPATHY 2A, TYPICAL, AUTOSOMAL DOMINANT. Last evaluated: 2007-12-01. Review status: no assertion criteria provided. Collection method: literature only. Allele origin: germline. Not counted in ClinVar's aggregate classification.

Literature cited by the submitters: PubMed 15198992 (cited by Victorian Clinical Genetics Services, Murdoch Childrens Research Institute and Labcorp Genetics (formerly Invitae), Labcorp); PubMed 19562689 (cited by Victorian Clinical Genetics Services, Murdoch Childrens Research Institute); PubMed 16427282 (cited by Labcorp Genetics (formerly Invitae), Labcorp and OMIM); PubMed 17705262 (cited by Labcorp Genetics (formerly Invitae), Labcorp and OMIM); PubMed 10508519 (cited by Labcorp Genetics (formerly Invitae), Labcorp).

NM_001100.4(ACTA1):c.493G>A (p.Val165Met)

Gene: ACTA1 (actin alpha 1, skeletal muscle; minus strand). Cytogenetic location: 1q42.13.
Variant type: single nucleotide variant.
Coding change: c.493G>A on transcript NM_001100.4 (MANE Select); coding-DNA position 493, G replaced by A.
Protein change: p.Val165Met; replaces valine 165 with methionine.
Molecular consequence: missense variant.
Genome position (GRCh38, 1-based): chr1:229,432,393, C>T on the plus strand (G>A on the coding strand, the complement: ACTA1 is on the minus strand). VCF-style: chr1-229432393-C-T. GRCh37 (hg19) VCF-style: chr1-229568140-C-T.
Other names: V163M; NM_001100.4(ACTA1):c.493G>A; short protein forms V165M.
Identifiers: ClinVar variation 18292 (VCV000018292.35), dbSNP rs121909522, ClinGen allele CA258144.